The following is an entry in ClinVar:

NM_004360.5(CDH1):c.1792C>G (p.Arg598Gly)

Gene: CDH1 (cadherin 1; plus strand). Cytogenetic location: 16q22.1.
Variant type: single nucleotide variant.
Coding change: c.1792C>G on transcript NM_004360.5 (MANE Select); coding-DNA position 1792, C replaced by G.
Protein change: p.Arg598Gly; replaces arginine 598 with glycine.
Molecular consequence: missense variant. On other transcripts: 5 prime UTR variant (1).
Genome position (GRCh38, 1-based): chr16:68,822,081, C>G. VCF-style: chr16-68822081-C-G. GRCh37 (hg19) VCF-style: chr16-68855984-C-G.
Other names: c.1792C>G (LRG_301t1); c.1609C>G, p.Arg537Gly (NM_001317184.2); c.244C>G, p.Arg82Gly (NM_001317185.2); c.-174C>G (NM_001317186.2); short protein forms R598G, R537G, R82G.
Identifiers: ClinVar variation 406674 (VCV000406674.11), dbSNP rs121964877, ClinGen allele CA16615250.

ClinVar aggregate classification (germline): Uncertain significance (1 of 4 stars; one submission).

Conditions:
Hereditary diffuse gastric adenocarcinoma (HDGC). Also called: DIFFUSE GASTRIC AND LOBULAR BREAST CANCER SYNDROME. Identifiers: Orphanet 26106, MedGen C1708349, MONDO:0007648, OMIM 137215.

Submission:

Labcorp Genetics (formerly Invitae), Labcorp
Classification: Uncertain significance for Hereditary diffuse gastric adenocarcinoma. Last evaluated: 2018-09-27. Review status: criteria provided, single submitter. Criteria: Invitae Variant Classification Sherloc (09022015). Collection method: clinical testing. Allele origin: germline.
Comment: In summary, this variant is a novel missense change with uncertain impact on protein function. Therefore, it has been classified as a Variant of Uncertain Significance. Algorithms developed to predict the effect of missense changes on protein structure and function (SIFT, PolyPhen-2, Align-GVGD) all suggest that this variant is likely to be disruptive, but these predictions have not been confirmed by published functional studies. This sequence change replaces arginine with glycine at codon 598 of the CDH1 protein (p.Arg598Gly). The arginine residue is highly conserved and there is a moderate physicochemical difference between arginine and glycine. This variant is not present in population databases (ExAC no frequency) and has not been reported in the literature in individuals with a CDH1-related disease.